The following is an entry in ClinVar:

NM_032608.7(MYO18B):c.4318G>A (p.Ala1440Thr)

Genes: MYO18B (myosin XVIIIB; plus strand), MYO18B-AS1 (MYO18B antisense RNA 1; minus strand). Cytogenetic location: 22q12.1.
Variant type: single nucleotide variant.
Coding change: c.4318G>A on transcript NM_032608.7 (MANE Select); coding-DNA position 4318, G replaced by A.
Protein change: p.Ala1440Thr; replaces alanine 1440 with threonine.
Molecular consequence: missense variant.
Genome position (GRCh38, 1-based): chr22:25,890,759, G>A. VCF-style: chr22-25890759-G-A. GRCh37 (hg19) VCF-style: chr22-26286726-G-A.
Other names: c.4318G>A (NM_032608.5); c.4321G>A, p.Ala1441Thr (NM_001318245.2); short protein forms A1440T, A1441T.
Identifiers: ClinVar variation 1417789 (VCV001417789.9), dbSNP rs769150604, ClinGen allele CA10160850.

ClinVar aggregate classification (germline): Uncertain significance. Review status: criteria provided, multiple submitters, no conflicts (2 of 4 stars). 3 submissions from 3 submitters: Uncertain significance (3). Last evaluated 2024-03-07.

Conditions:
Klippel-Feil anomaly-myopathy-facial dysmorphism syndrome. Also called: Klippel-feil syndrome 4, autosomal recessive, with nemaline myopathy and facial dysmorphism; Klippel-Feil syndrome 4, autosomal recessive, with myopathy and facial dysmorphism. Identifiers: Orphanet 447974, MedGen C4225285, MONDO:0014689, OMIM 616549.
Inborn genetic diseases. Identifiers: MedGen C0950123, MeSH D030342.

Allele frequency attached by ClinVar (database versions not stated): ExAC 0.00001; gnomAD exomes 0.00001 and 0.00003; gnomAD 0.00004; TOPMed 0.00008.
gnomAD v4.1: 23 of 1,613,776 alleles (0.0014%); highest among the groups gnomAD compares: East Asian, 0.04%; 1 homozygote.

Submissions (3):

Ambry Genetics
Classification: Uncertain significance for Inborn genetic diseases. Last evaluated: 2024-03-07. Review status: criteria provided, single submitter. Criteria: Ambry Variant Classification Scheme 2023. Collection method: clinical testing. Allele origin: germline.

Labcorp Genetics (formerly Invitae), Labcorp
Classification: Uncertain significance. Last evaluated: 2023-12-14. Review status: criteria provided, single submitter. Criteria: Invitae Variant Classification Sherloc (09022015). Collection method: clinical testing. Allele origin: germline.
Comment: This sequence change replaces alanine, which is neutral and non-polar, with threonine, which is neutral and polar, at codon 1440 of the MYO18B protein (p.Ala1440Thr). This variant is present in population databases (rs769150604, gnomAD 0.04%). This variant has not been reported in the literature in individuals affected with MYO18B-related conditions. ClinVar contains an entry for this variant (Variation ID: 1417789). Algorithms developed to predict the effect of missense changes on protein structure and function output the following: SIFT: "Not Available"; PolyPhen-2: "Benign"; Align-GVGD: "Not Available". The threonine amino acid residue is found in multiple mammalian species, which suggests that this missense change does not adversely affect protein function. In summary, the available evidence is currently insufficient to determine the role of this variant in disease. Therefore, it has been classified as a Variant of Uncertain Significance.

Revvity Omics, Revvity
Classification: Uncertain significance for Klippel-Feil anomaly-myopathy-facial dysmorphism syndrome. Last evaluated: 2023-05-11. Review status: criteria provided, single submitter. Criteria: ACMG Guidelines, 2015. Collection method: clinical testing. Allele origin: germline.